The following is an entry in ClinVar:

ClinVar aggregate classification (germline): Uncertain significance (1 of 4 stars; one submission).

Conditions:
Hereditary cancer-predisposing syndrome. Also called: Tumor predisposition; Hereditary neoplastic syndrome; Hereditary Cancer Syndrome; Neoplastic Syndromes, Hereditary. Identifiers: Orphanet 140162, MedGen C0027672, MeSH D009386, MONDO:0015356.

Submission:

Ambry Genetics
Classification: Uncertain significance for Hereditary cancer-predisposing syndrome. Last evaluated: 2023-11-11. Review status: criteria provided, single submitter. Criteria: Ambry Variant Classification Scheme 2023. Collection method: clinical testing. Allele origin: germline.
Comment: The p.P14A variant (also known as c.40C>G), located in coding exon 1 of the POLD1 gene, results from a C to G substitution at nucleotide position 40. The proline at codon 14 is replaced by alanine, an amino acid with highly similar properties. This amino acid position is conserved. In addition, this alteration is predicted to be tolerated by in silico analysis. Since supporting evidence is limited at this time, the clinical significance of this alteration remains unclear.

NM_002691.4(POLD1):c.40C>G (p.Pro14Ala)

Gene: POLD1 (DNA polymerase delta 1, catalytic subunit; plus strand). Cytogenetic location: 19q13.33.
Variant type: single nucleotide variant.
Coding change: c.40C>G on transcript NM_002691.4 (MANE Select); coding-DNA position 40, C replaced by G.
Protein change: p.Pro14Ala; replaces proline 14 with alanine.
Molecular consequence: missense variant. On other transcripts: non-coding transcript variant (1).
Genome position (GRCh38, 1-based): chr19:50,398,891, C>G. VCF-style: chr19-50398891-C-G. GRCh37 (hg19) VCF-style: chr19-50902148-C-G.
Other names: c.40C>G, p.Pro14Ala (NM_001256849.1, NM_001308632.1); short protein forms P14A.
Identifiers: ClinVar variation 3222740 (VCV003222740.1), dbSNP rs1402598316, ClinGen allele CA406970023.